The following is an entry in ClinVar:

ClinVar aggregate classification (germline): Uncertain significance (1 of 4 stars; one submission).

gnomAD v4.1: 11 of 1,614,064 alleles (0.00068%); highest among the groups gnomAD compares: Admixed American, 0.0017%; no homozygotes.

Submission:

Labcorp Genetics (formerly Invitae), Labcorp
Classification: Uncertain significance. Last evaluated: 2024-10-25. Review status: criteria provided, single submitter. Criteria: Invitae Variant Classification Sherloc (09022015). Collection method: clinical testing. Allele origin: germline.
Comment: This sequence change replaces alanine, which is neutral and non-polar, with serine, which is neutral and polar, at codon 245 of the TULP1 protein (p.Ala245Ser). This variant is present in population databases (rs779902591, gnomAD 0.002%). This variant has not been reported in the literature in individuals affected with TULP1-related conditions. ClinVar contains an entry for this variant (Variation ID: 2180511). Invitae Evidence Modeling of protein sequence and biophysical properties (such as structural, functional, and spatial information, amino acid conservation, physicochemical variation, residue mobility, and thermodynamic stability) indicates that this missense variant is not expected to disrupt TULP1 protein function with a negative predictive value of 95%. In summary, the available evidence is currently insufficient to determine the role of this variant in disease. Therefore, it has been classified as a Variant of Uncertain Significance.

NM_003322.6(TULP1):c.733G>T (p.Ala245Ser)

Gene: TULP1 (TUB like protein 1; minus strand). Cytogenetic location: 6p21.31.
Variant type: single nucleotide variant.
Coding change: c.733G>T on transcript NM_003322.6 (MANE Select); coding-DNA position 733, G replaced by T.
Protein change: p.Ala245Ser; replaces alanine 245 with serine.
Molecular consequence: missense variant.
Genome position (GRCh38, 1-based): chr6:35,509,298, C>A on the plus strand (G>T on the coding strand, the complement: TULP1 is on the minus strand). VCF-style: chr6-35509298-C-A. GRCh37 (hg19) VCF-style: chr6-35477075-C-A.
Other names: c.574G>T, p.Ala192Ser (NM_001289395.2); short protein forms A245S, A192S.
Identifiers: ClinVar variation 2180511 (VCV002180511.3), dbSNP rs779902591, ClinGen allele CA3772816.
Genomic context (GRCh38, chr6:35,509,298, plus strand): 5'-TTTGATTGCTCTTCTTTATCACCGTAGCTGCCTCCTCCTCCTCTTCTTCCTCCTTCCTCG[C>A]GCCTTTGGGAGTGCCTGAGCGTGGAGGGGGAAACAAGGCTGTGAACTCCTCACCCTGGTT-3'
Protein context (NP_003313.3, residues 235-255): ALKKKGTPKG[Ala245Ser]RKEEEEEEEA